The following is an entry in ClinVar:

NM_001256545.2(MEGF10):c.512C>T (p.Ala171Val)

Gene: MEGF10 (multiple EGF like domains 10; plus strand). Cytogenetic location: 5q23.2.
Variant type: single nucleotide variant.
Coding change: c.512C>T on transcript NM_001256545.2 (MANE Select); coding-DNA position 512, C replaced by T.
Protein change: p.Ala171Val; replaces alanine 171 with valine.
Molecular consequence: missense variant.
Genome position (GRCh38, 1-based): chr5:127,396,631, C>T. VCF-style: chr5-127396631-C-T. GRCh37 (hg19) VCF-style: chr5-126732323-C-T.
Other names: c.512C>T, p.Ala171Val (NM_001308119.2, NM_001308121.2, NM_032446.3); short protein forms A171V.
Identifiers: ClinVar variation 350639 (VCV000350639.13), dbSNP rs201824269, ClinGen allele CA3391307.

ClinVar aggregate classification (germline): Uncertain significance. Review status: criteria provided, multiple submitters, no conflicts (2 of 4 stars). 2 submissions from 2 submitters: Uncertain significance (2). Last evaluated 2025-11-12.

Conditions:
MEGF10-related myopathy (CMYO10A). Also called: Congenital myopathy 10A, severe variant. Identifiers: Orphanet 439212, MedGen C3280679, MONDO:0013731, OMIM 614399.
Inborn genetic diseases. Identifiers: MedGen C0950123, MeSH D030342.

Allele frequency attached by ClinVar (database versions not stated): TOPMed 0.00002; gnomAD 0.00003; 1000 Genomes Project 30x 0.00031.
gnomAD v4.1: 62 of 1,613,896 alleles (0.0038%); highest among the groups gnomAD compares: Middle Eastern, 0.033%; no homozygotes.

Submissions (2):

Ambry Genetics
Classification: Uncertain significance for Inborn genetic diseases. Last evaluated: 2025-11-12. Review status: criteria provided, single submitter. Criteria: Ambry Variant Classification Scheme 2023. Collection method: clinical testing. Allele origin: germline.

Labcorp Genetics (formerly Invitae), Labcorp
Classification: Uncertain significance for MEGF10-related myopathy. Last evaluated: 2025-10-02. Review status: criteria provided, single submitter. Criteria: Invitae Variant Classification Sherloc (09022015). Collection method: clinical testing. Allele origin: germline.
Comment: This sequence change replaces alanine, which is neutral and non-polar, with valine, which is neutral and non-polar, at codon 171 of the MEGF10 protein (p.Ala171Val). This variant is present in population databases (rs201824269, gnomAD 0.01%). This variant has not been reported in the literature in individuals affected with MEGF10-related conditions. ClinVar contains an entry for this variant (Variation ID: 350639). Invitae Evidence Modeling of protein sequence and biophysical properties (such as structural, functional, and spatial information, amino acid conservation, physicochemical variation, residue mobility, and thermodynamic stability) indicates that this missense variant is not expected to disrupt MEGF10 protein function with a negative predictive value of 80%. In summary, the available evidence is currently insufficient to determine the role of this variant in disease. Therefore, it has been classified as a Variant of Uncertain Significance.